The following is an entry in ClinVar:

ClinVar aggregate classification (germline): Uncertain significance. Review status: criteria provided, single submitter (1 of 4 stars). 2 submissions from 2 submitters: Uncertain significance (1). 1 of the submissions does not count toward it. Last evaluated 2022-04-12.

Conditions:
LRRC45-related disorder. Also called: LRRC45-related condition.

Allele frequency attached by ClinVar (database versions not stated): gnomAD 0.00002; TOPMed 0.00003; gnomAD exomes 0.00006; ExAC 0.00011.
gnomAD v4.1: 83 of 1,612,298 alleles (0.0051%); highest among the groups gnomAD compares: South Asian, 0.065%; no homozygotes.

Submissions (2):

Ambry Genetics
Classification: Uncertain significance. Last evaluated: 2022-04-12. Review status: criteria provided, single submitter. Criteria: Ambry Variant Classification Scheme 2023. Collection method: clinical testing. Allele origin: germline.

PreventionGenetics, part of Exact Sciences
Classification: Uncertain significance for LRRC45-related condition. Last evaluated: 2024-08-08. Review status: no assertion criteria provided. Collection method: clinical testing. Allele origin: germline. Not counted in ClinVar's aggregate classification.
Comment: The LRRC45 c.265C>T variant is predicted to result in the amino acid substitution p.Arg89Cys. To our knowledge, this variant has not been reported in the literature. This variant is reported in 0.065% of alleles in individuals of South Asian descent in gnomAD. Although we suspect that this variant may be benign, at this time, the clinical significance of this variant is uncertain due to the absence of conclusive functional and genetic evidence.

NM_144999.4(LRRC45):c.265C>T (p.Arg89Cys)

Gene: LRRC45 (leucine rich repeat containing 45; plus strand). Cytogenetic location: 17q25.3.
Variant type: single nucleotide variant.
Coding change: c.265C>T on transcript NM_144999.4 (MANE Select); coding-DNA position 265, C replaced by T.
Protein change: p.Arg89Cys; replaces arginine 89 with cysteine.
Molecular consequence: missense variant.
Genome position (GRCh38, 1-based): chr17:82,024,322, C>T. VCF-style: chr17-82024322-C-T. GRCh37 (hg19) VCF-style: chr17-79982198-C-T.
Other names: c.265C>T (NM_144999.3); short protein forms R89C.
Identifiers: ClinVar variation 2382821 (VCV002382821.3), dbSNP rs760714350, ClinGen allele CA8847569.